The following is an entry in ClinVar:

NM_014014.5(SNRNP200):c.1120-8C>T

Gene: SNRNP200 (small nuclear ribonucleoprotein U5 subunit 200; minus strand). Cytogenetic location: 2q11.2.
Variant type: single nucleotide variant.
Coding change: c.1120-8C>T on transcript NM_014014.5 (MANE Select); 8 bases into the intron before coding-DNA position 1120, C replaced by T.
Molecular consequence: intron variant.
Genome position (GRCh38, 1-based): chr2:96,297,728, G>A on the plus strand (C>T on the coding strand, the complement: SNRNP200 is on the minus strand). VCF-style: chr2-96297728-G-A. GRCh37 (hg19) VCF-style: chr2-96963466-G-A.
Identifiers: ClinVar variation 721655 (VCV000721655.10), dbSNP rs776433081, ClinGen allele CA1778995.

ClinVar aggregate classification (germline): Likely benign. Review status: criteria provided, multiple submitters, no conflicts (2 of 4 stars). 2 submissions from 2 submitters: Likely benign (2). Last evaluated 2025-06-04.

Conditions:
SNRNP200-related disorder. Also called: SNRNP200-related condition.

Allele frequency attached by ClinVar (database versions not stated): TOPMed 0.00009; gnomAD 0.00015 and 0.00016; ExAC 0.00001; gnomAD exomes 0.00006 and 0.00007.
gnomAD v4.1: 118 of 1,613,902 alleles (0.0073%); highest among the groups gnomAD compares: Admixed American, 0.063%; no homozygotes.

Submissions (2):

PreventionGenetics, part of Exact Sciences
Classification: Likely benign for SNRNP200-related condition. Last evaluated: 2025-06-04. Review status: criteria provided, single submitter. Criteria: ACMG Guidelines, 2015. Collection method: clinical testing. Allele origin: germline.
Comment: This variant is classified as likely benign based on ACMG/AMP sequence variant interpretation guidelines (Richards et al. 2015 PMID: 25741868, with internal and published modifications).

Labcorp Genetics (formerly Invitae), Labcorp
Classification: Likely benign. Last evaluated: 2025-03-04. Review status: criteria provided, single submitter. Criteria: Invitae Variant Classification Sherloc (09022015). Collection method: clinical testing. Allele origin: germline.